The following is an entry in ClinVar:

ClinVar aggregate classification (germline): Likely benign. Review status: criteria provided, multiple submitters, no conflicts (2 of 4 stars). 2 submissions from 2 submitters: Likely benign (2). Last evaluated 2025-09-01.

Allele frequency attached by ClinVar (database versions not stated): gnomAD exomes 0.00042; ExAC 0.00103; gnomAD 0.00307; ESP Exome Variant Server 0.00360; 1000 Genomes Project 0.00379; TOPMed 0.00390; 1000 Genomes Project 30x 0.00406.
gnomAD v4.1: 1,136 of 1,613,028 alleles (0.07%); highest among the groups gnomAD compares: African/African-American, 1.1%; 9 homozygotes.

Submissions (2):

CeGaT Center for Human Genetics Tuebingen
Classification: Likely benign. Last evaluated: 2025-09-01. Review status: criteria provided, single submitter. Criteria: CeGaT Center For Human Genetics Tuebingen Variant Classification Criteria Version 2. Collection method: clinical testing. Allele origin: germline. Affected: yes. Observed: 7 variant alleles.
Comment: TANC2: BS1

Blueprint Genetics
Classification: Likely benign. Last evaluated: 2024-11-26. Review status: criteria provided, single submitter. Criteria: ACMG Guidelines, 2015. Collection method: clinical testing. Allele origin: germline.

NM_001394998.1(TANC2):c.3350G>C (p.Gly1117Ala)

Genes: TANC2 (tetratricopeptide repeat, ankyrin repeat and coiled-coil containing 2; plus strand), LOC105371856 (uncharacterized LOC105371856; minus strand). Cytogenetic location: 17q23.3.
Variant type: single nucleotide variant.
Coding change: c.3350G>C on transcript NM_001394998.1 (MANE Select); coding-DNA position 3350, G replaced by C.
Protein change: p.Gly1117Ala; replaces glycine 1117 with alanine.
Molecular consequence: missense variant.
Genome position (GRCh38, 1-based): chr17:63,405,140, G>C. VCF-style: chr17-63405140-G-C. GRCh37 (hg19) VCF-style: chr17-61482501-G-C.
Other names: c.3128G>C, p.Gly1043Ala (NM_001411076.1, NM_025185.4); short protein forms G1043A, G1117A.
Identifiers: ClinVar variation 2648057 (VCV002648057.25), dbSNP rs190187657, ClinGen allele CA8697982.